The following is an entry in ClinVar:

NM_005431.2(XRCC2):c.790A>C (p.Ser264Arg)

Gene: XRCC2 (X-ray repair cross complementing 2; minus strand). Cytogenetic location: 7q36.1.
Variant type: single nucleotide variant.
Coding change: c.790A>C on transcript NM_005431.2 (MANE Select); coding-DNA position 790, A replaced by C.
Protein change: p.Ser264Arg; replaces serine 264 with arginine.
Molecular consequence: missense variant.
Genome position (GRCh38, 1-based): chr7:152,648,695, T>G on the plus strand (A>C on the coding strand, the complement: XRCC2 is on the minus strand). VCF-style: chr7-152648695-T-G. GRCh37 (hg19) VCF-style: chr7-152345780-T-G.
Other names: short protein forms S264R.
Identifiers: ClinVar variation 3982927 (VCV003982927.1).

ClinVar aggregate classification (germline): Uncertain significance (1 of 4 stars; one submission).

Conditions:
Hereditary cancer-predisposing syndrome. Also called: Tumor predisposition; Hereditary neoplastic syndrome; Neoplastic Syndromes, Hereditary; Hereditary Cancer Syndrome. Identifiers: Orphanet 140162, MedGen C0027672, MeSH D009386, MONDO:0015356.

gnomAD v4.1: 1 of 1,607,872 alleles (0.000062%); highest among the groups gnomAD compares: Middle Eastern, 0.017%; no homozygotes.

Submission:

Ambry Genetics
Classification: Uncertain significance for Hereditary cancer-predisposing syndrome. Last evaluated: 2025-05-21. Review status: criteria provided, single submitter. Criteria: Ambry Variant Classification Scheme 2023. Collection method: clinical testing. Allele origin: germline.
Comment: The p.S264R variant (also known as c.790A>C), located in coding exon 3 of the XRCC2 gene, results from an A to C substitution at nucleotide position 790. The serine at codon 264 is replaced by arginine, an amino acid with dissimilar properties. This amino acid position is conserved. In addition, this alteration is predicted to be tolerated by in silico analysis. Based on the available evidence, the clinical significance of this variant remains unclear.